The following is an entry in ClinVar:

NM_004213.5(SLC28A1):c.128G>A (p.Ser43Asn)

Gene: SLC28A1 (solute carrier family 28 member 1; plus strand). Cytogenetic location: 15q25.3.
Variant type: single nucleotide variant.
Coding change: c.128G>A on transcript NM_004213.5 (MANE Select); coding-DNA position 128, G replaced by A.
Protein change: p.Ser43Asn; replaces serine 43 with asparagine.
Molecular consequence: missense variant.
Genome position (GRCh38, 1-based): chr15:84,888,803, G>A. VCF-style: chr15-84888803-G-A. GRCh37 (hg19) VCF-style: chr15-85432034-G-A.
Other names: c.128G>A, p.Ser43Asn (NM_001287761.2, NM_001287762.2, NM_001321721.2 and 2 more transcripts); short protein forms S43N.
Identifiers: ClinVar variation 3043971 (VCV003043971.2), dbSNP rs17222295, ClinGen allele CA7710237.

ClinVar aggregate classification (germline): Benign (0 of 4 stars; one submission).

Conditions:
SLC28A1-related disorder. Also called: SLC28A1-related condition.

Allele frequency attached by ClinVar (database versions not stated): gnomAD exomes 0.00049; ExAC 0.00293; 1000 Genomes Project 0.00459; 1000 Genomes Project 30x 0.00484; gnomAD 0.00509; ESP Exome Variant Server 0.00587; TOPMed 0.00610.

Submission:

PreventionGenetics, part of Exact Sciences
Classification: Benign for SLC28A1-related condition. Last evaluated: 2019-11-13. Review status: no assertion criteria provided. Collection method: clinical testing. Allele origin: germline.
Comment: This variant is classified as benign based on ACMG/AMP sequence variant interpretation guidelines (Richards et al. 2015 PMID: 25741868, with internal and published modifications).